The following is an entry in ClinVar:

NM_000350.3(ABCA4):c.6391G>A (p.Glu2131Lys)

Gene: ABCA4 (ATP binding cassette subfamily A member 4; minus strand). Cytogenetic location: 1p22.1.
Variant type: single nucleotide variant.
Coding change: c.6391G>A on transcript NM_000350.3 (MANE Select); coding-DNA position 6391, G replaced by A.
Protein change: p.Glu2131Lys; replaces glutamic acid 2131 with lysine.
Molecular consequence: missense variant.
Genome position (GRCh38, 1-based): chr1:94,000,924, C>T on the plus strand (G>A on the coding strand, the complement: ABCA4 is on the minus strand). VCF-style: chr1-94000924-C-T. GRCh37 (hg19) VCF-style: chr1-94466480-C-T.
Other names: c.6169G>A, p.Glu2057Lys (NM_001425324.1); short protein forms E2131K, E2057K.
Identifiers: ClinVar variation 99457 (VCV000099457.11), dbSNP rs61750652, ClinGen allele CA227401.

ClinVar aggregate classification (germline): Pathogenic. Review status: criteria provided, multiple submitters, no conflicts (2 of 4 stars). 5 submissions from 5 submitters: Pathogenic (4). 1 of the submissions does not count toward it. Last evaluated 2025-01-26.

Conditions:
ABCA4-related disorder. Also called: ABCA4-related condition; ABCA4-related disorders. Identifiers: MedGen CN239167.
Cone-rod dystrophy 3 (CORD3). Identifiers: Orphanet 1872, MedGen C1858806, MONDO:0011395, OMIM 604116.
Age related macular degeneration 2. Also called: MACULAR DEGENERATION, SENILE; MACULOPATHY, AGE-RELATED, 2; MACULOPATHY, AGE-RELATED. Identifiers: MedGen C3495438, MONDO:0007932, OMIM 153800.
Retinitis pigmentosa 19 (RP19). Also called: ABCA4-Related Retinitis Pigmentosa. Identifiers: Orphanet 791, MedGen C1866422, MONDO:0011137, OMIM 601718.
Severe early-childhood-onset retinal dystrophy (STGD1). Also called: MACULAR DYSTROPHY WITH FLECKS, TYPE 1; STGD; Stargardt disease 1; Stargardt macular dystrophy; Juvenile onset macular degeneration. Identifiers: Orphanet 364055, Orphanet 827, MedGen C1855465, MeSH D000080362, MONDO:0009549, OMIM 248200.
Stargardt disease (FFM). Also called: Fundus flavimaculatus; Stargardt's disease. Identifiers: Orphanet 827, MedGen C0271093, MONDO:0019353.

Allele frequency attached by ClinVar (database versions not stated): gnomAD exomes 0.00001 and below 0.00001; TOPMed 0.00001; gnomAD 0.00001.
gnomAD v4.1: 19 of 1,614,064 alleles (0.0012%); highest among the groups gnomAD compares: Non-Finnish European, 0.0016%; no homozygotes.

Submissions (5):

Labcorp Genetics (formerly Invitae), Labcorp
Classification: Pathogenic. Last evaluated: 2025-01-26. Review status: criteria provided, single submitter. Criteria: Invitae Variant Classification Sherloc (09022015). Collection method: clinical testing. Allele origin: germline.
Comment: This sequence change replaces glutamic acid, which is acidic and polar, with lysine, which is basic and polar, at codon 2131 of the ABCA4 protein (p.Glu2131Lys). This variant is present in population databases (rs61750652, gnomAD 0.002%). This missense change has been observed in individual(s) with Stargardt disease (PMID: 9973280, 23143460, 30834176). In at least one individual the data is consistent with being in trans (on the opposite chromosome) from a pathogenic variant. ClinVar contains an entry for this variant (Variation ID: 99457). Invitae Evidence Modeling of protein sequence and biophysical properties (such as structural, functional, and spatial information, amino acid conservation, physicochemical variation, residue mobility, and thermodynamic stability) indicates that this missense variant is expected to disrupt ABCA4 protein function with a positive predictive value of 95%. For these reasons, this variant has been classified as Pathogenic.

Fulgent Genetics
Classification: Pathogenic for Age related macular degeneration 2; Severe early-childhood-onset retinal dystrophy; Retinitis pigmentosa 19; Cone-rod dystrophy 3. Last evaluated: 2024-03-19. Review status: criteria provided, single submitter. Criteria: ACMG Guidelines, 2015. Collection method: clinical testing. Allele origin: germline.

Women's Health and Genetics/Laboratory Corporation of America, LabCorp
Classification: Pathogenic for Stargardt disease. Last evaluated: 2024-03-18. Review status: criteria provided, single submitter. Criteria: LabCorp Variant Classification Summary - May 2015. Collection method: clinical testing. Allele origin: germline.
Comment: Variant summary: ABCA4 c.6391G>A (p.Glu2131Lys) results in a conservative amino acid change in the encoded protein sequence. Four of five in-silico tools predict a damaging effect of the variant on protein function. The variant allele was found at a frequency of 4e-06 in 251474 control chromosomes (gnomAD). c.6391G>A has been reported in the literature in multiple individuals affected with Stargardt Disease (e.g. Lewis_1999, Stone_2017). These data indicate that the variant is very likely to be associated with disease. The following publications have been ascertained in the context of this evaluation (PMID: 9973280, 28559085). ClinVar contains an entry for this variant (Variation ID: 99457). Based on the evidence outlined above, the variant was classified as pathogenic.

Blueprint Genetics
Classification: Pathogenic for ABCA4-related disorders. Last evaluated: 2018-03-01. Review status: criteria provided, single submitter. Criteria: ACMG Guidelines, 2015. Collection method: clinical testing. Allele origin: germline. Affected: yes. Observed: 2 variant alleles.

Retina International
No classification provided. Review status: no classification provided. Collection method: not provided. Allele origin: not provided. Not counted in ClinVar's aggregate classification.

Literature cited by the submitters: PubMed 9973280 (cited by Labcorp Genetics (formerly Invitae), Labcorp and Women's Health and Genetics/Laboratory Corporation of America, LabCorp); PubMed 23143460 (cited by Labcorp Genetics (formerly Invitae), Labcorp); PubMed 30834176 (cited by Labcorp Genetics (formerly Invitae), Labcorp); PubMed 28559085 (cited by Women's Health and Genetics/Laboratory Corporation of America, LabCorp).